The following is an entry in ClinVar:

ClinVar aggregate classification (germline): Uncertain significance. Review status: criteria provided, multiple submitters, no conflicts (2 of 4 stars). 3 submissions from 3 submitters: Uncertain significance (3). Last evaluated 2023-04-11.

Conditions:
Inborn genetic diseases. Identifiers: MedGen C0950123, MeSH D030342.
Glycogen storage disease type III (GSD3). Also called: FORBES DISEASE; Cori disease. Identifiers: Orphanet 366, MedGen C0017922, MONDO:0009291, OMIM 232400.

Allele frequency attached by ClinVar (database versions not stated): gnomAD exomes below 0.00001; TOPMed below 0.00001.
gnomAD v4.1: 2 of 1,614,006 alleles (0.00012%); highest among the groups gnomAD compares: East Asian, 0.0022%; no homozygotes.

Submissions (3):

Genome-Nilou Lab
Classification: Uncertain significance for Glycogen storage disease type III. Last evaluated: 2023-04-11. Review status: criteria provided, single submitter. Criteria: ACMG Guidelines, 2015. Collection method: clinical testing. Allele origin: germline. Affected: no.

Ambry Genetics
Classification: Uncertain significance for Inborn genetic diseases. Last evaluated: 2022-12-21. Review status: criteria provided, single submitter. Criteria: Ambry Variant Classification Scheme 2023. Collection method: clinical testing. Allele origin: germline.

Labcorp Genetics (formerly Invitae), Labcorp
Classification: Uncertain significance for Glycogen storage disease type III. Last evaluated: 2022-06-27. Review status: criteria provided, single submitter. Criteria: Invitae Variant Classification Sherloc (09022015). Collection method: clinical testing. Allele origin: germline.
Comment: This sequence change replaces isoleucine, which is neutral and non-polar, with valine, which is neutral and non-polar, at codon 887 of the AGL protein (p.Ile887Val). This variant is not present in population databases (gnomAD no frequency). This variant has not been reported in the literature in individuals affected with AGL-related conditions. Algorithms developed to predict the effect of missense changes on protein structure and function (SIFT, PolyPhen-2, Align-GVGD) all suggest that this variant is likely to be tolerated. In summary, the available evidence is currently insufficient to determine the role of this variant in disease. Therefore, it has been classified as a Variant of Uncertain Significance.

NM_000642.3(AGL):c.2659A>G (p.Ile887Val)

Gene: AGL (amylo-alpha-1,6-glucosidase and 4-alpha-glucanotransferase; plus strand). Cytogenetic location: 1p21.2.
Variant type: single nucleotide variant.
Coding change: c.2659A>G on transcript NM_000642.3 (MANE Select); coding-DNA position 2659, A replaced by G.
Protein change: p.Ile887Val; replaces isoleucine 887 with valine.
Molecular consequence: missense variant.
Genome position (GRCh38, 1-based): chr1:99,884,681, A>G. VCF-style: chr1-99884681-A-G. GRCh37 (hg19) VCF-style: chr1-100350237-A-G.
Other names: c.2659A>G, p.Ile887Val (NM_000028.3, NM_000643.3, NM_000644.3 and 2 more transcripts); c.2611A>G, p.Ile871Val (NM_000646.3); c.2458A>G, p.Ile820Val (NM_001425327.1); c.2455A>G, p.Ile819Val (NM_001425328.1); c.2281A>G, p.Ile761Val (NM_001425332.1); short protein forms I887V, I871V, I761V, I819V, I820V.
Identifiers: ClinVar variation 2175927 (VCV002175927.3), dbSNP rs1652315138, ClinGen allele CA341322041.